The following is an entry in ClinVar:

NM_000211.5(ITGB2):c.817G>A (p.Gly273Arg)

Gene: ITGB2 (integrin subunit beta 2; minus strand). Cytogenetic location: 21q22.3.
Variant type: single nucleotide variant.
Coding change: c.817G>A on transcript NM_000211.5 (MANE Select); coding-DNA position 817, G replaced by A.
Protein change: p.Gly273Arg; replaces glycine 273 with arginine.
Molecular consequence: missense variant.
Genome position (GRCh38, 1-based): chr21:44,900,400, C>T on the plus strand (G>A on the coding strand, the complement: ITGB2 is on the minus strand). VCF-style: chr21-44900400-C-T. GRCh37 (hg19) VCF-style: chr21-46320315-C-T.
Other names: c.817G>A, p.Gly273Arg (LRG_76t1, NM_001127491.3); c.610G>A, p.Gly204Arg (NM_001303238.2); short protein forms G273R, G204R.
Identifiers: ClinVar variation 9471 (VCV000009471.18), dbSNP rs137852618, ClinGen allele CA120474.
Genomic context (GRCh38, chr21:44,900,400, plus strand): 5'-ACAAGTTGTCCTCCAGGTGACAGCGGCCGTCGTTGGGGGTCAGGATGGCGCCCAGCTTCC[C>T]GTCGCCCGCGAAATGGAAGCCGTCATCAGTGGCAAACACCAGCAGCCGCGTGACGTTGCG-3'
Protein context (NP_000202.3, residues 263-283): TDDGFHFAGD[Gly273Arg]KLGAILTPND

ClinVar aggregate classification (germline): Pathogenic/Likely pathogenic. Review status: criteria provided, multiple submitters, no conflicts (2 of 4 stars). 7 submissions from 7 submitters: Pathogenic (3); Likely pathogenic (2). 2 of the submissions do not count toward it. Last evaluated 2025-12-22.

Conditions:
Leukocyte adhesion deficiency 1 (LAD1). Also called: LAD 1; Lymphocyte function-associated antigen 1 immunodeficiency; LFA 1 immunodeficiency; LEUKOCYTE ADHESION DEFICIENCY, TYPE I. Identifiers: Orphanet 2968, Orphanet 99842, MedGen C0398738, MONDO:0007293, OMIM 116920.
ITGB2-related disorder. Also called: ITGB2-related condition.

Allele frequency attached by ClinVar (database versions not stated): ExAC 0.00001; gnomAD exomes 0.00002 and 0.00006; TOPMed 0.00003; gnomAD 0.00005 and 0.00006.
gnomAD v4.1: 101 of 1,613,960 alleles (0.0063%); highest among the groups gnomAD compares: Non-Finnish European, 0.0073%; no homozygotes.

Submissions (7):

Labcorp Genetics (formerly Invitae), Labcorp
Classification: Pathogenic for Leukocyte adhesion deficiency 1. Last evaluated: 2025-12-22. Review status: criteria provided, single submitter. Criteria: Invitae Variant Classification Sherloc (09022015). Collection method: clinical testing. Allele origin: germline.
Comment: This sequence change replaces glycine, which is neutral and non-polar, with arginine, which is basic and polar, at codon 273 of the ITGB2 protein (p.Gly273Arg). This variant is present in population databases (rs137852618, gnomAD 0.003%). This missense change has been observed in individual(s) with leukocyte adhesion deficiency type 1 (PMID: 9884339, 30919141; internal data). In at least one individual the data is consistent with being in trans (on the opposite chromosome) from a pathogenic variant. ClinVar contains an entry for this variant (Variation ID: 9471). Invitae Evidence Modeling of protein sequence and biophysical properties (such as structural, functional, and spatial information, amino acid conservation, physicochemical variation, residue mobility, and thermodynamic stability) has been performed for this missense variant. However, the output from this modeling did not meet the statistical confidence thresholds required to predict the impact of this variant on ITGB2 protein function. Experimental studies have shown that this missense change affects ITGB2 function (PMID: 9884339). For these reasons, this variant has been classified as Pathogenic.

3billion
Classification: Likely pathogenic for Leukocyte adhesion deficiency 1. Last evaluated: 2025-04-16. Review status: criteria provided, single submitter. Criteria: ACMG Guidelines, 2015. Collection method: clinical testing. Allele origin: germline. Affected: yes.

Blueprint Genetics
Classification: Pathogenic for ITGB2-related disorders. Last evaluated: 2023-09-22. Review status: criteria provided, single submitter. Criteria: ACMG Guidelines, 2015. Collection method: clinical testing. Allele origin: germline. Affected: yes. Observed: 3 variant alleles.

GeneDx
Classification: Pathogenic. Last evaluated: 2023-02-22. Review status: criteria provided, single submitter. Criteria: GeneDx Variant Classification Process June 2021. Collection method: clinical testing. Allele origin: germline. Affected: yes.
Comment: Published functional studies demonstrate a damaging effect through a lack of expression of LFA-1 on the surface of cells expressing this variant (Hogg et al., 1999; Yamazaki-Nakashimada et al., 2015); In silico analysis supports that this missense variant has a deleterious effect on protein structure/function; In silico analysis suggests this variant may impact gene splicing. In the absence of RNA/functional studies, the actual effect of this sequence change is unknown.; Not observed at significant frequency in large population cohorts (gnomAD); This variant is associated with the following publications: (PMID: 17651379, 30312521, 30968598, 34310689, 10936446, 25527966, 22134107, 25514840, 25703682, 30919141, 9884339, 31965297, 32279896, 33391282, 33365035, 33240318)

Center for Genomics, Ann and Robert H. Lurie Children's Hospital of Chicago
Classification: Likely pathogenic for Leukocyte adhesion deficiency 1. Last evaluated: 2021-03-30. Review status: criteria provided, single submitter. Criteria: ACMG Guidelines, 2015. Collection method: clinical testing. Allele origin: germline.
Comment: ITGB2 NM_000211.4 exon 7 p.Gly273Arg (c.817G>A): This variant has been reported in the literature in at least 3 individuals with Leukocyte Adhesion Deficiency Type-I (LAD-I) as homozygous or compound heterozygotes (Hogg 1999 PMID:9664339, Yamazaki-Nakashima 2015 PMID:25527966). This variant is present in 3/126630 European alleles in the Genome Aggregation Database. This variant is present in ClinVar (Variation ID:9471). Evolutionary conservation and computational predictive tools suggest that this variant may impact the protein. In addition, functional studies suggest a deleterious effect of this variant, potentially impacting the cell surface expression of Beta-2 integrins (Hogg 1999 PMID:9664339, Guan 2015 PMID:25514840, Yamazaki-Nakashima 2015 PMID:25527966). In summary, data on this variant is highly suspicious for disease, but requires further evidence for pathogenicity. Therefore, this variant classified as likely pathogenic.

Laboratory of Research in Genomics, Genetics and Bioinformatics, Hospital Infantil de Mexico Federico Gomez
Classification: Pathogenic for Leukocyte adhesion deficiency 1. Last evaluated: 2025-04-08. Review status: no assertion criteria provided. Collection method: research. Allele origin: germline. Affected: yes. Not counted in ClinVar's aggregate classification.

OMIM
Classification: Pathogenic for LEUKOCYTE ADHESION DEFICIENCY 1. Last evaluated: 1999-01-01. Review status: no assertion criteria provided. Collection method: literature only. Allele origin: germline. Not counted in ClinVar's aggregate classification.

Literature cited by the submitters: PubMed 9884339 (cited by 3 submitters); PubMed 30919141 (cited by Labcorp Genetics (formerly Invitae), Labcorp).